The following is an entry in ClinVar:

NM_005273.4(GNB2):c.636C>T (p.Asp212=)

Gene: GNB2 (G protein subunit beta 2; plus strand). Cytogenetic location: 7q22.1.
Variant type: single nucleotide variant.
Coding change: c.636C>T on transcript NM_005273.4 (MANE Select); coding-DNA position 636, C replaced by T.
Protein change: p.Asp212=; no amino-acid change (aspartic acid 212 retained).
Molecular consequence: synonymous variant.
Genome position (GRCh38, 1-based): chr7:100,678,236, C>T. VCF-style: chr7-100678236-C-T. GRCh37 (hg19) VCF-style: chr7-100275859-C-T.
Identifiers: ClinVar variation 4821097 (VCV004821097.4).
Genomic context (GRCh38, chr7:100,678,236, plus strand): 5'-GGCCCCCGATGGCCGCACGTTTGTGTCAGGCGCCTGTGATGCCTCTATCAAGCTGTGGGA[C>T]GTGCGGGATTCCATGTGCCGACAGACCTTCATCGGCCATGAATCCGACATCAATGCAGTG-3'
Protein context (NP_005264.2, residues 202-222): GACDASIKLW[Asp212=]VRDSMCRQTF

ClinVar aggregate classification (germline): Likely benign (1 of 4 stars; one submission).

gnomAD v4.1: 104 of 1,613,992 alleles (0.0064%); highest among the groups gnomAD compares: Admixed American, 0.045%; no homozygotes.

Submission:

CeGaT Center for Human Genetics Tuebingen
Classification: Likely benign. Last evaluated: 2026-01-01. Review status: criteria provided, single submitter. Criteria: CeGaT Center For Human Genetics Tuebingen Variant Classification Criteria Version 2. Collection method: clinical testing. Allele origin: germline. Affected: yes. Observed: 1 variant allele.
Comment: GNB2: BP4, BP7